The following is an entry in ClinVar:

NM_005859.5(PURA):c.745del (p.Glu248_Val249insTer)

Gene: PURA (purine rich element binding protein A; plus strand). Cytogenetic location: 5q31.3.
Variant type: Deletion.
Coding change: c.745del on transcript NM_005859.5 (MANE Select); coding-DNA position 745, one base deleted (G; older notation c.745delG).
Protein change: p.Glu248_Val249insTer.
Molecular consequence: nonsense.
Genome position (GRCh38, 1-based): chr5:140,114,926, G deleted; the last of 2 consecutive G bases (chr5:140,114,925-140,114,926); deleting either gives the same sequence. VCF-style (leftmost placement, unchanged base first): chr5-140114924-AG-A. GRCh37 (hg19) VCF-style: chr5-139494509-AG-A.
Identifiers: ClinVar variation 192346 (VCV000192346.2), dbSNP rs793888539, ClinGen allele CA302666.
Genomic context (GRCh38, chr5:140,114,924, plus strand): 5'-ACAAGCGCTTCTTCTTCGATGTGGGCTCCAACAAGTACGGCGTGTTTATGCGAGTGAGCG[AG>A]GTGAAGCCCACCTATCGCAACTCCATCACCGTGCCCTACAAGGTGTGGGCCAAGTTCGGA-3'

ClinVar aggregate classification (germline): Pathogenic (1 of 4 stars; one submission).

Submission:

GeneDx
Classification: Pathogenic. Last evaluated: 2015-03-31. Review status: criteria provided, single submitter. Criteria: GeneDx Variant Classification (06012015). Collection method: clinical testing. Allele origin: germline. Affected: yes.
Comment: The c.745delG mutation in the PURA gene has not been reported previously as a disease-causing mutation nor as a benign polymorphism, to our knowledge. The c.745delG mutation causes a premature Stop codon at position 249, denoted p.V249X. This mutation is predicted to cause loss of normal protein function through protein truncation. The c.745delG mutation was not observed in approximately 6500 individuals of European and African American ancestry in the NHLBI Exome Sequencing Project, indicating it is not a common benign variant in these populations. We interpret c.745delG as a disease-causing mutation.